The following is an entry in ClinVar:

NM_152564.5(VPS13B):c.7377G>C (p.Gln2459His)

Gene: VPS13B (vacuolar protein sorting 13 homolog B; plus strand). Cytogenetic location: 8q22.2.
Variant type: single nucleotide variant.
Coding change: c.7377G>C on transcript NM_152564.5 (MANE Select); coding-DNA position 7377, G replaced by C.
Protein change: p.Gln2459His; replaces glutamine 2459 with histidine.
Molecular consequence: missense variant.
Genome position (GRCh38, 1-based): chr8:99,776,904, G>C. VCF-style: chr8-99776904-G-C. GRCh37 (hg19) VCF-style: chr8-100789132-G-C.
Other names: c.7452G>C, p.Gln2484His (NM_017890.5); short protein forms Q2459H, Q2484H.
Identifiers: ClinVar variation 2504664 (VCV002504664.3), dbSNP rs2491830663, ClinGen allele CA371875805.

ClinVar aggregate classification (germline): Uncertain significance. Review status: criteria provided, single submitter (1 of 4 stars). 2 submissions from 2 submitters: Uncertain significance (1). 1 of the submissions does not count toward it. Last evaluated 2022-12-12.

Conditions:
VPS13B-related disorder. Also called: VPS13B-related condition.

Allele frequency attached by ClinVar (database versions not stated): gnomAD exomes 0.00001.
gnomAD v4.1: 14 of 1,614,032 alleles (0.00087%); highest among the groups gnomAD compares: African/African-American, 0.0013%; no homozygotes.

Submissions (2):

GeneDx
Classification: Uncertain significance. Last evaluated: 2022-12-12. Review status: criteria provided, single submitter. Criteria: GeneDx Variant Classification Process June 2021. Collection method: clinical testing. Allele origin: germline. Affected: yes.
Comment: Not observed at significant frequency in large population cohorts (gnomAD); In silico analysis supports that this missense variant does not alter protein structure/function; Has not been previously published as pathogenic or benign to our knowledge

PreventionGenetics, part of Exact Sciences
Classification: Uncertain significance for VPS13B-related condition. Last evaluated: 2024-02-09. Review status: no assertion criteria provided. Collection method: clinical testing. Allele origin: germline. Not counted in ClinVar's aggregate classification.
Comment: The VPS13B c.7377G>C variant is predicted to result in the amino acid substitution p.Gln2459His. To our knowledge, this variant has not been reported in the literature or in a large population database, indicating this variant is rare. At this time, the clinical significance of this variant is uncertain due to the absence of conclusive functional and genetic evidence.